The following is an entry in ClinVar:

NM_024675.4(PALB2):c.2702T>C (p.Leu901Pro)

Gene: PALB2 (partner and localizer of BRCA2; minus strand). Cytogenetic location: 16p12.2.
Variant type: single nucleotide variant.
Coding change: c.2702T>C on transcript NM_024675.4 (MANE Select); coding-DNA position 2702, T replaced by C.
Protein change: p.Leu901Pro; replaces leucine 901 with proline.
Molecular consequence: missense variant.
Genome position (GRCh38, 1-based): chr16:23,626,282, A>G on the plus strand (T>C on the coding strand, the complement: PALB2 is on the minus strand). VCF-style: chr16-23626282-A-G. GRCh37 (hg19) VCF-style: chr16-23637603-A-G.
Other names: c.2702T>C (NM_024675.3); short protein forms L901P.
Identifiers: ClinVar variation 1525896 (VCV001525896.10), dbSNP rs2142353922, ClinGen allele CA395121941.

ClinVar aggregate classification (germline): Uncertain significance. Review status: criteria provided, multiple submitters, no conflicts (2 of 4 stars). 2 submissions from 2 submitters: Uncertain significance (2). Last evaluated 2026-03-08.

Conditions:
Familial cancer of breast. Also called: BREAST CANCER, FAMILIAL; Hereditary breast cancer; hereditary breast carcinoma. Identifiers: Orphanet 227535, MedGen C0346153, MONDO:0016419, OMIM 114480. Disease mechanism: loss of function.
Hereditary cancer-predisposing syndrome. Also called: Neoplastic Syndromes, Hereditary; Tumor predisposition; Hereditary Cancer Syndrome; Hereditary neoplastic syndrome. Identifiers: Orphanet 140162, MedGen C0027672, MeSH D009386, MONDO:0015356.

Submissions (2):

Ambry Genetics
Classification: Uncertain significance for Hereditary cancer-predisposing syndrome. Last evaluated: 2026-03-08. Review status: criteria provided, single submitter. Criteria: Ambry Variant Classification Scheme 2023. Collection method: clinical testing. Allele origin: germline.
Comment: The p.L901P variant (also known as c.2702T>C), located in coding exon 7 of the PALB2 gene, results from a T to C substitution at nucleotide position 2702. The leucine at codon 901 is replaced by proline, an amino acid with similar properties. This amino acid position is conserved. In addition, this alteration is predicted to be tolerated by in silico analysis. Based on the available evidence, the clinical significance of this variant remains unclear.

Labcorp Genetics (formerly Invitae), Labcorp
Classification: Uncertain significance for Familial cancer of breast. Last evaluated: 2020-12-24. Review status: criteria provided, single submitter. Criteria: Invitae Variant Classification Sherloc (09022015). Collection method: clinical testing. Allele origin: germline.
Comment: This sequence change replaces leucine with proline at codon 901 of the PALB2 protein (p.Leu901Pro). The leucine residue is moderately conserved and there is a moderate physicochemical difference between leucine and proline. In summary, the available evidence is currently insufficient to determine the role of this variant in disease. Therefore, it has been classified as a Variant of Uncertain Significance. Algorithms developed to predict the effect of missense changes on protein structure and function are either unavailable or do not agree on the potential impact of this missense change (SIFT: "Tolerated"; PolyPhen-2: "Probably Damaging"; Align-GVGD: "Class C0"). This variant has not been reported in the literature in individuals with PALB2-related conditions. This variant is not present in population databases (ExAC no frequency).